The following is an entry in ClinVar:

NM_001298.3(CNGA3):c.659T>C (p.Val220Ala)

Gene: CNGA3 (cyclic nucleotide gated channel subunit alpha 3; plus strand). Cytogenetic location: 2q11.2.
Variant type: single nucleotide variant.
Coding change: c.659T>C on transcript NM_001298.3 (MANE Select); coding-DNA position 659, T replaced by C.
Protein change: p.Val220Ala; replaces valine 220 with alanine.
Molecular consequence: missense variant.
Genome position (GRCh38, 1-based): chr2:98,391,956, T>C. VCF-style: chr2-98391956-T-C. GRCh37 (hg19) VCF-style: chr2-99008419-T-C.
Other names: c.605T>C, p.Val202Ala (NM_001079878.2); short protein forms V202A, V220A.
Identifiers: ClinVar variation 2708001 (VCV002708001.3), dbSNP rs1692800690, ClinGen allele CA347831867.
Genomic context (GRCh38, chr2:98,391,956, plus strand): 5'-TGATGCTGTGGCTGGTCCTGGACTACTCGGCAGATGTCCTGTATGTCTTGGATGTGCTTG[T>C]ACGAGCTCGGACAGGTGAGTGTGCCCCAGGCCTGGGGAGGGGACCATGGCCCCCACGGGA-3'
Protein context (NP_001289.1, residues 210-230): ADVLYVLDVL[Val220Ala]RARTGFLEQG

ClinVar aggregate classification (germline): Uncertain significance (1 of 4 stars; one submission).

Submission:

Labcorp Genetics (formerly Invitae), Labcorp
Classification: Uncertain significance. Last evaluated: 2024-01-06. Review status: criteria provided, single submitter. Criteria: Invitae Variant Classification Sherloc (09022015). Collection method: clinical testing. Allele origin: germline.
Comment: This sequence change replaces valine, which is neutral and non-polar, with alanine, which is neutral and non-polar, at codon 220 of the CNGA3 protein (p.Val220Ala). This variant is not present in population databases (gnomAD no frequency). This variant has not been reported in the literature in individuals affected with CNGA3-related conditions. Advanced modeling of protein sequence and biophysical properties (such as structural, functional, and spatial information, amino acid conservation, physicochemical variation, residue mobility, and thermodynamic stability) performed at Invitae indicates that this missense variant is expected to disrupt CNGA3 protein function with a positive predictive value of 80%. In summary, the available evidence is currently insufficient to determine the role of this variant in disease. Therefore, it has been classified as a Variant of Uncertain Significance.